The following is an entry in ClinVar:

NM_016816.4(OAS1):c.1193C>T (p.Thr398Ile)

Gene: OAS1 (2'-5'-oligoadenylate synthetase 1; plus strand). Cytogenetic location: 12q24.13.
Variant type: single nucleotide variant.
Coding change: c.1193C>T on transcript NM_016816.4 (MANE Select); coding-DNA position 1193, C replaced by T.
Protein change: p.Thr398Ile; replaces threonine 398 with isoleucine.
Molecular consequence: missense variant. On other transcripts: synonymous variant (3), 3 prime UTR variant (5), non-coding transcript variant (9), intron variant (2).
Genome position (GRCh38, 1-based): chr12:112,919,543, C>T. VCF-style: chr12-112919543-C-T. GRCh37 (hg19) VCF-style: chr12-113357348-C-T.
Other names: c.1095C>T, p.His365= (NM_001032409.3); c.1071C>T, p.His357= (NM_001406020.1); c.1169C>T, p.Thr390Ile (NM_001406021.1); c.*830C>T (NM_001406022.1, NM_001406023.1, NM_001406029.1); c.*1786C>T (NM_001406024.1, NM_001406030.1); c.621C>T, p.His207= (NM_001406026.1); c.719C>T, p.Thr240Ile (NM_001406027.1); c.1038+1843C>T (NM_001320151.2); and 1 more; short protein forms T240I, T390I, T398I.
Identifiers: ClinVar variation 2633265 (VCV002633265.1), dbSNP rs1565965503, ClinGen allele CA386810709.
Genomic context (GRCh38, chr12:112,919,543, plus strand): 5'-ATAGACCCAGCACACTCCAGGCAGCATCCACCCCACAGGCAGAAGAGGACTGGACCTGCA[C>T]CATCCTCTGAATGCCAGTGCATCTTGGGGGAAAGGGCTCCAGTGTTATCTGGACCAGTTC-3'
Protein context (NP_058132.2, residues 388-400): TPQAEEDWTC[Thr398Ile]IL

ClinVar aggregate classification (germline): Uncertain significance (1 of 4 stars; one submission).

Conditions:
OAS1-related disorder. Also called: OAS1-related condition.

Submission:

PreventionGenetics, part of Exact Sciences
Classification: Uncertain significance for OAS1-related condition. Last evaluated: 2023-04-11. Review status: criteria provided, single submitter. Criteria: ACMG Guidelines, 2015. Collection method: clinical testing. Allele origin: germline.
Comment: The OAS1 c.1193C>T variant is predicted to result in the amino acid substitution p.Thr398Ile. To our knowledge, this variant has not been reported in the literature or in a large population database, indicating this variant is rare. At this time, the clinical significance of this variant is uncertain due to the absence of conclusive functional and genetic evidence.